The following is an entry in ClinVar:

ClinVar aggregate classification (germline): Uncertain significance. Review status: criteria provided, multiple submitters, no conflicts (2 of 4 stars). 3 submissions from 3 submitters: Uncertain significance (3). Last evaluated 2025-09-22.

Conditions:
Inborn genetic diseases. Identifiers: MedGen C0950123, MeSH D030342.

Allele frequency attached by ClinVar (database versions not stated): gnomAD exomes 0.00002; TOPMed 0.00008; ExAC 0.00002; gnomAD 0.00003.
gnomAD v4.1: 34 of 1,613,766 alleles (0.0021%); highest among the groups gnomAD compares: Admixed American, 0.052%; no homozygotes.

Submissions (3):

GeneDx
Classification: Uncertain significance. Last evaluated: 2025-09-22. Review status: criteria provided, single submitter. Criteria: GeneDx Variant Classification Process June 2021. Collection method: clinical testing. Allele origin: germline.
Comment: In silico analysis supports that this missense variant has a deleterious effect on protein structure/function; Has not been previously published as pathogenic or benign to our knowledge

Ambry Genetics
Classification: Uncertain significance for Inborn genetic diseases. Last evaluated: 2025-07-02. Review status: criteria provided, single submitter. Criteria: Ambry Variant Classification Scheme 2023. Collection method: clinical testing. Allele origin: germline.

Labcorp Genetics (formerly Invitae), Labcorp
Classification: Uncertain significance. Last evaluated: 2024-03-17. Review status: criteria provided, single submitter. Criteria: Invitae Variant Classification Sherloc (09022015). Collection method: clinical testing. Allele origin: germline.
Comment: This sequence change replaces proline, which is neutral and non-polar, with serine, which is neutral and polar, at codon 2579 of the HERC1 protein (p.Pro2579Ser). This variant is present in population databases (rs771810276, gnomAD 0.05%). This variant has not been reported in the literature in individuals affected with HERC1-related conditions. ClinVar contains an entry for this variant (Variation ID: 2194053). Advanced modeling of protein sequence and biophysical properties (such as structural, functional, and spatial information, amino acid conservation, physicochemical variation, residue mobility, and thermodynamic stability) performed at Invitae indicates that this missense variant is not expected to disrupt HERC1 protein function with a negative predictive value of 80%. In summary, the available evidence is currently insufficient to determine the role of this variant in disease. Therefore, it has been classified as a Variant of Uncertain Significance.

NM_003922.4(HERC1):c.7735C>T (p.Pro2579Ser)

Gene: HERC1 (HECT and RLD domain containing E3 ubiquitin protein ligase family member 1; minus strand). Cytogenetic location: 15q22.31.
Variant type: single nucleotide variant.
Coding change: c.7735C>T on transcript NM_003922.4 (MANE Select); coding-DNA position 7735, C replaced by T.
Protein change: p.Pro2579Ser; replaces proline 2579 with serine.
Molecular consequence: missense variant.
Genome position (GRCh38, 1-based): chr15:63,674,453, G>A on the plus strand (C>T on the coding strand, the complement: HERC1 is on the minus strand). VCF-style: chr15-63674453-G-A. GRCh37 (hg19) VCF-style: chr15-63966652-G-A.
Other names: c.7735C>T (NM_003922.3); short protein forms P2579S.
Identifiers: ClinVar variation 2194053 (VCV002194053.6), dbSNP rs771810276, ClinGen allele CA7605109.